The following is an entry in ClinVar:

ClinVar aggregate classification (germline): Conflicting classifications of pathogenicity. Review status: criteria provided, conflicting classifications (1 of 4 stars). 2 submissions from 2 submitters: Uncertain significance (1); Likely benign (1). Last evaluated 2024-09-20.

Conditions:
KBG syndrome (KBGS). Also called: ANKRD11-Related KBG Syndrome. Identifiers: Orphanet 2332, MedGen C0220687, MONDO:0007846, OMIM 148050.

Submissions (2):

3billion
Classification: Likely benign for KBG syndrome. Last evaluated: 2024-09-20. Review status: criteria provided, single submitter. Criteria: ACMG Guidelines, 2015. Collection method: clinical testing. Allele origin: germline. Affected: no.
Comment: The variant was identified in at least one patient who was diagnosed with a different variant in another gene and showed no symptoms related to the gene containing the variant in question.

Labcorp Genetics (formerly Invitae), Labcorp
Classification: Uncertain significance for KBG syndrome. Last evaluated: 2023-08-30. Review status: criteria provided, single submitter. Criteria: Invitae Variant Classification Sherloc (09022015). Collection method: clinical testing. Allele origin: germline.
Comment: This sequence change falls in intron 6 of the ANKRD11 gene. It does not directly change the encoded amino acid sequence of the ANKRD11 protein. This variant is not present in population databases (gnomAD no frequency). This variant has not been reported in the literature in individuals affected with ANKRD11-related conditions. Experimental studies and prediction algorithms are not available or were not evaluated, and the effect of this variant on mRNA splicing is currently unknown. In summary, the available evidence is currently insufficient to determine the role of this variant in disease. Therefore, it has been classified as a Variant of Uncertain Significance.

NM_013275.6(ANKRD11):c.601+11_601+37del

Gene: ANKRD11 (ankyrin repeat domain 11; minus strand). Cytogenetic location: 16q24.3.
Variant type: Deletion.
Coding change: c.601+11_601+37del on transcript NM_013275.6 (MANE Select); bases 11 to 37 of the intron after coding-DNA position 601, 27 bases deleted (TGTGCCTGGCAAGGGCCAGAGAGCCCC).
Molecular consequence: intron variant.
Genome position (GRCh38, 1-based): chr16:89,290,588-89,290,614, GGGGCTCTCTGGCCCTTGCCAGGCACA deleted on the plus strand (TGTGCCTGGCAAGGGCCAGAGAGCCCC on the coding strand, the reverse complement: ANKRD11 is on the minus strand); deleting any 27 consecutive bases within chr16:89,290,588-89,290,617 gives the same sequence; the c. name uses the placement nearest the transcript's 3' end. VCF-style (leftmost placement, unchanged base first): chr16-89290587-TGGGGCTCTCTGGCCCTTGCCAGGCACA-T. GRCh37 (hg19) VCF-style: chr16-89356995-TGGGGCTCTCTGGCCCTTGCCAGGCACA-T.
Other names: c.601+11_601+37del (NM_001256183.2, NM_001256182.2).
Identifiers: ClinVar variation 2794641 (VCV002794641.4), dbSNP rs2544304935, ClinGen allele CA2739266985.